The following is an entry in ClinVar:

NM_002471.4(MYH6):c.5452G>C (p.Glu1818Gln)

Gene: MYH6 (myosin heavy chain 6; minus strand). Cytogenetic location: 14q11.2.
Variant type: single nucleotide variant.
Coding change: c.5452G>C on transcript NM_002471.4 (MANE Select); coding-DNA position 5452, G replaced by C.
Protein change: p.Glu1818Gln; replaces glutamic acid 1818 with glutamine.
Molecular consequence: missense variant.
Genome position (GRCh38, 1-based): chr14:23,384,555, C>G on the plus strand (G>C on the coding strand, the complement: MYH6 is on the minus strand). VCF-style: chr14-23384555-C-G. GRCh37 (hg19) VCF-style: chr14-23853764-C-G.
Other names: short protein forms E1818Q.
Identifiers: ClinVar variation 1032063 (VCV001032063.2), dbSNP rs201494081, ClinGen allele CA257776395.
Genomic context (GRCh38, chr14:23,384,555, plus strand): 5'-ACTCTGCGTTGCGCTTCTGCTCGGCCTCCAGCTCACCCTCCAGCTCCCGCACCCGCGCTT[C>G]CAGCTTCTGCAGCTGCTTCTTGCCTCCCTTGAGGGCGATCTGCTCGGCCTCGTCCAGCCG-3'
Protein context (NP_002462.2, residues 1808-1828): KGGKKQLQKL[Glu1818Gln]ARVRELEGEL

ClinVar aggregate classification (germline): Uncertain significance. Review status: criteria provided, multiple submitters, no conflicts (2 of 4 stars). 2 submissions from 2 submitters: Uncertain significance (2). Last evaluated 2022-07-29.

Conditions:
Atrial septal defect 3 (ASD3). Identifiers: Orphanet 1478, MedGen C3279790, MONDO:0013567, OMIM 614089.
Cardiovascular phenotype. Identifiers: MedGen CN230736.

Allele frequency attached by ClinVar (database versions not stated): gnomAD 0.00001; TOPMed 0.00002; 1000 Genomes Project 30x 0.00016; 1000 Genomes Project 0.00020.

Submissions (2):

Ambry Genetics
Classification: Uncertain significance for Cardiovascular phenotype. Last evaluated: 2022-07-29. Review status: criteria provided, single submitter. Criteria: Ambry Variant Classification Scheme 2023. Collection method: clinical testing. Allele origin: germline.

Baylor Genetics
Classification: Uncertain significance for Atrial septal defect 3. Last evaluated: 2018-02-27. Review status: criteria provided, single submitter. Criteria: ACMG Guidelines, 2015. Collection method: clinical testing. Allele origin: maternal. Affected: yes.
Comment: This variant was determined to be of uncertain significance according to ACMG Guidelines, 2015 [PMID:25741868].